The following is an entry in ClinVar:

ClinVar aggregate classification (germline): Uncertain significance. Review status: criteria provided, multiple submitters, no conflicts (2 of 4 stars). 2 submissions from 2 submitters: Uncertain significance (2). Last evaluated 2026-08-23.

Conditions:
Inborn genetic diseases. Identifiers: MedGen C0950123, MeSH D030342.

Submissions (2):

Ambry Genetics
Classification: Uncertain significance for Inborn genetic diseases. Last evaluated: 2026-08-23. Review status: criteria provided, single submitter. Criteria: Ambry Variant Classification Scheme 2023. Collection method: clinical testing. Allele origin: germline.
Comment: The p.G86V variant (also known as c.257G>T), located in coding exon 1 of the KDM1A gene, results from a G to T substitution at nucleotide position 257. The glycine at codon 86 is replaced by valine, an amino acid with dissimilar properties. This amino acid position is conserved. In addition, this alteration is predicted to be tolerated by in silico analysis. Based on the available evidence, the clinical significance of this variant remains unclear.

CeGaT Center for Human Genetics Tuebingen
Classification: Uncertain significance. Last evaluated: 2024-01-01. Review status: criteria provided, single submitter. Criteria: CeGaT Center For Human Genetics Tuebingen Variant Classification Criteria Version 2. Collection method: clinical testing. Allele origin: germline. Affected: yes. Observed: 1 variant allele.
Comment: KDM1A: PM2, PP2

NM_001009999.3(KDM1A):c.257G>T (p.Gly86Val)

Gene: KDM1A (lysine demethylase 1A; plus strand). Cytogenetic location: 1p36.12.
Variant type: single nucleotide variant.
Coding change: c.257G>T on transcript NM_001009999.3 (MANE Select); coding-DNA position 257, G replaced by T.
Protein change: p.Gly86Val; replaces glycine 86 with valine.
Molecular consequence: missense variant.
Genome position (GRCh38, 1-based): chr1:23,019,853, G>T. VCF-style: chr1-23019853-G-T. GRCh37 (hg19) VCF-style: chr1-23346346-G-T.
Other names: c.257G>T (NM_001009999.2); c.257G>T, p.Gly86Val (NM_001363654.2, NM_001410762.1, NM_001410763.1 and 1 more transcripts); short protein forms G86V.
Identifiers: ClinVar variation 3026778 (VCV003026778.23), dbSNP rs891037050, ClinGen allele CA19198933.